The following is an entry in ClinVar:

ClinVar aggregate classification (germline): Uncertain significance (1 of 4 stars; one submission).

Submission:

GeneDx
Classification: Uncertain significance. Last evaluated: 2017-12-19. Review status: criteria provided, single submitter. Criteria: GeneDx Variant Classification (06012015). Collection method: clinical testing. Allele origin: germline. Affected: yes.
Comment: The de novo c.3896_3898delCTC variant in the SOS1 gene has not been published as a mutation, nor has it been reported as a benign polymorphism to our knowledge. The c.3896_3898delCTC variant results in a deletion of three nucleotides, maintaining the reading frame and leading to a Stop codon at position 1299, denoted S1299X. This variant is predicted to cause loss of normal protein function through protein truncation as the last 35 amino acid residues are lost. The c.3896_3898delCTC variant was not observed in approximately 6,500 individuals of European and African American ancestry in the NHLBI Exome Sequencing Project, indicating it is not a common benign variant in these populations. We interpret c.3896_3898delCTC as a variant of unknown significance.

NM_005633.4(SOS1):c.3896_3898del (p.Ser1299_Gln1300delinsTer)

Gene: SOS1 (SOS Ras/Rac guanine nucleotide exchange factor 1; minus strand). Cytogenetic location: 2p22.1.
Variant type: Deletion.
Coding change: c.3896_3898del on transcript NM_005633.4 (MANE Select); coding-DNA positions 3896 to 3898, 3 bases deleted (CTC; older notation c.3896_3898delCTC).
Protein change: p.Ser1299_Gln1300delinsTer.
Molecular consequence: nonsense.
Genome position (GRCh38, 1-based): chr2:38,985,928-38,985,930, GAG deleted on the plus strand (CTC on the coding strand, the reverse complement: SOS1 is on the minus strand). VCF-style (leftmost placement, unchanged base first): chr2-38985927-TGAG-T. GRCh37 (hg19) VCF-style: chr2-39213068-TGAG-T.
Other names: c.3875_3877del, p.Ser1292_Gln1293delinsTer (NM_001382394.1); c.3851_3853del, p.Ser1284_Gln1285delinsTer (NM_001382395.1); c.3896_3898delCTC (NM_005633.3).
Identifiers: ClinVar variation 181559 (VCV000181559.2), dbSNP rs730881055, ClinGen allele CA297304.